The following is an entry in ClinVar:

Conditions:
Arteriohepatic dysplasia. Also called: Alagille Syndrome. Identifiers: Orphanet 52, MedGen C0085280, MeSH D016738, MONDO:0007318.

Submission:

Gilbert/Spinner Lab, Children's Hospital of Philadelphia
No classification provided (evidence only). Condition: Alagille syndrome. Review status: no classification provided. Collection method: research. Allele origin: not applicable. Functional consequence: functionally_abnormal.
ClinVar note: "not provided" was previously submitted as the classification for the variant. However, the classification appeared to be based only on an observation of functional data so it was converted to no classification on 2025-07-30.

NM_000214.3(JAG1):c.282C>A (p.Phe94Leu)

Gene: JAG1 (jagged canonical Notch ligand 1; minus strand). Cytogenetic location: 20p12.2.
Variant type: single nucleotide variant.
Coding change: c.282C>A on transcript NM_000214.3 (MANE Select); coding-DNA position 282, C replaced by A.
Protein change: p.Phe94Leu; replaces phenylalanine 94 with leucine.
Molecular consequence: missense variant.
Genome position (GRCh38, 1-based): chr20:10,672,806, G>T on the plus strand (C>A on the coding strand, the complement: JAG1 is on the minus strand). VCF-style: chr20-10672806-G-T. GRCh37 (hg19) VCF-style: chr20-10653454-G-T.
Other names: short protein forms F94L.
Identifiers: ClinVar variation 3573436 (VCV003573436.2).
Genomic context (GRCh38, chr20:10,672,806, plus strand): 5'-GCCGCGGCTGGCCTTGAGGTTGAAGGTGTTGCCCCCGATGACAGGCGTGGACCCTGAGCC[G>T]AAGCTGCAGGGCCCCCCGGCCGTGACGCGGGACTGATACTCCTTGAGGCACACTTTGAAG-3'
Protein context (NP_000205.1, residues 84-104): SRVTAGGPCS[Phe94Leu]GSGSTPVIGG